The following is an entry in ClinVar:

ClinVar aggregate classification (germline): Uncertain significance. Review status: criteria provided, single submitter (1 of 4 stars). 2 submissions from 2 submitters: Uncertain significance (1). 1 of the submissions does not count toward it. Last evaluated 2024-10-20.

Conditions:
INTU-related disorder. Also called: INTU-related condition.

Submissions (2):

Labcorp Genetics (formerly Invitae), Labcorp
Classification: Uncertain significance. Last evaluated: 2024-10-20. Review status: criteria provided, single submitter. Criteria: Invitae Variant Classification Sherloc (09022015). Collection method: clinical testing. Allele origin: germline.
Comment: This sequence change creates a premature translational stop signal (p.Asn797Lysfs*9) in the INTU gene. It is expected to result in an absent or disrupted protein product. However, the current clinical and genetic evidence is not sufficient to establish whether loss-of-function variants in INTU cause disease. This variant is present in population databases (rs762924686, gnomAD 0.0009%). This variant has not been reported in the literature in individuals affected with INTU-related conditions. In summary, the available evidence is currently insufficient to determine the role of this variant in disease. Therefore, it has been classified as a Variant of Uncertain Significance.

PreventionGenetics, part of Exact Sciences
Classification: Uncertain significance for INTU-related condition. Last evaluated: 2024-03-11. Review status: no assertion criteria provided. Collection method: clinical testing. Allele origin: germline. Not counted in ClinVar's aggregate classification.
Comment: The INTU c.2391delC variant is predicted to result in a frameshift and premature protein termination (p.Asn797Lysfs*9). To our knowledge, this variant has not been reported in the literature. This variant is reported in 0.00092% of alleles in individuals of European (Non-Finnish) descent in gnomAD. Several loss-of-function variants 5' to this variant have been reported as likely pathogenic or pathogenic in patients affected with autosomal recessive INTU-related disease (see Human Gene Mutation Database, ClinVar). However, to our knowledge, there are no documented variants 3' to the c.2391del variant identified in this patient. Although we suspect that this variant may be pathogenic, at this time, the clinical significance of this variant is uncertain due to the absence of conclusive functional and genetic evidence.

NM_015693.4(INTU):c.2391del (p.Asn797fs)

Gene: INTU (inturned planar cell polarity protein; plus strand). Cytogenetic location: 4q28.1.
Variant type: Deletion.
Coding change: c.2391del on transcript NM_015693.4 (MANE Select); coding-DNA position 2391, one base deleted (C; older notation c.2391delC).
Protein change: p.Asn797fs; shifts the reading frame from asparagine 797.
Molecular consequence: frameshift variant.
Genome position (GRCh38, 1-based): chr4:127,710,934, C deleted. VCF-style (leftmost placement, unchanged base first): chr4-127710933-AC-A. GRCh37 (hg19) VCF-style: chr4-128632088-AC-A.
Other names: short protein forms N797fs.
Identifiers: ClinVar variation 3353799 (VCV003353799.3).